The following is an entry in ClinVar:

NM_000275.3(OCA2):c.1027G>C (p.Ala343Pro)

Gene: OCA2 (OCA2 melanosomal transmembrane protein; minus strand). Cytogenetic location: 15q13.1.
Variant type: single nucleotide variant.
Coding change: c.1027G>C on transcript NM_000275.3 (MANE Select); coding-DNA position 1027, G replaced by C.
Protein change: p.Ala343Pro; replaces alanine 343 with proline.
Molecular consequence: missense variant.
Genome position (GRCh38, 1-based): chr15:28,014,793, C>G on the plus strand (G>C on the coding strand, the complement: OCA2 is on the minus strand). VCF-style: chr15-28014793-C-G. GRCh37 (hg19) VCF-style: chr15-28259939-C-G.
Other names: c.1027G>C, p.Ala343Pro (NM_001300984.2); short protein forms A343P.
Identifiers: ClinVar variation 2191286 (VCV002191286.1), dbSNP rs756251130, ClinGen allele CA391364846.

ClinVar aggregate classification (germline): Uncertain significance (1 of 4 stars; one submission).

gnomAD v4.1: 3 of 1,613,564 alleles (0.00019%); highest among the groups gnomAD compares: Non-Finnish European, 0.00017%; no homozygotes.

Submission:

Labcorp Genetics (formerly Invitae), Labcorp
Classification: Uncertain significance. Last evaluated: 2022-10-17. Review status: criteria provided, single submitter. Criteria: Invitae Variant Classification Sherloc (09022015). Collection method: clinical testing. Allele origin: germline.
Comment: This sequence change replaces alanine, which is neutral and non-polar, with proline, which is neutral and non-polar, at codon 343 of the OCA2 protein (p.Ala343Pro). This variant is not present in population databases (gnomAD no frequency). This variant has not been reported in the literature in individuals affected with OCA2-related conditions. Advanced modeling of protein sequence and biophysical properties (such as structural, functional, and spatial information, amino acid conservation, physicochemical variation, residue mobility, and thermodynamic stability) performed at Invitae indicates that this missense variant is not expected to disrupt OCA2 protein function. In summary, the available evidence is currently insufficient to determine the role of this variant in disease. Therefore, it has been classified as a Variant of Uncertain Significance.